The following is an entry in ClinVar:

NM_024741.3(ZNF408):c.1558G>A (p.Gly520Arg)

Gene: ZNF408 (zinc finger protein 408; plus strand). Cytogenetic location: 11p11.2.
Variant type: single nucleotide variant.
Coding change: c.1558G>A on transcript NM_024741.3 (MANE Select); coding-DNA position 1558, G replaced by A.
Protein change: p.Gly520Arg; replaces glycine 520 with arginine.
Molecular consequence: missense variant.
Genome position (GRCh38, 1-based): chr11:46,705,258, G>A. VCF-style: chr11-46705258-G-A. GRCh37 (hg19) VCF-style: chr11-46726808-G-A.
Other names: c.1534G>A, p.Gly512Arg (NM_001184751.2); short protein forms G520R, G512R.
Identifiers: ClinVar variation 1037945 (VCV001037945.8), dbSNP rs768515396, ClinGen allele CA5966599.

ClinVar aggregate classification (germline): Uncertain significance (1 of 4 stars; one submission).

Allele frequency attached by ClinVar (database versions not stated): gnomAD exomes 0.00001 and 0.00002; ExAC 0.00003.
gnomAD v4.1: 14 of 1,612,072 alleles (0.00087%); highest among the groups gnomAD compares: South Asian, 0.0044%; no homozygotes.

Submission:

Labcorp Genetics (formerly Invitae), Labcorp
Classification: Uncertain significance. Last evaluated: 2022-12-15. Review status: criteria provided, single submitter. Criteria: Invitae Variant Classification Sherloc (09022015). Collection method: clinical testing. Allele origin: germline.
Comment: ClinVar contains an entry for this variant (Variation ID: 1037945). Algorithms developed to predict the effect of missense changes on protein structure and function (SIFT, PolyPhen-2, Align-GVGD) all suggest that this variant is likely to be disruptive. In summary, the available evidence is currently insufficient to determine the role of this variant in disease. Therefore, it has been classified as a Variant of Uncertain Significance. This variant has not been reported in the literature in individuals affected with ZNF408-related conditions. This sequence change replaces glycine, which is neutral and non-polar, with arginine, which is basic and polar, at codon 520 of the ZNF408 protein (p.Gly520Arg). This variant is present in population databases (rs768515396, gnomAD 0.004%).